The following is an entry in ClinVar:

NC_000011.9:g.(?_67366019)_(67374523_?)del

Genes: NDUFV1 (NADH:ubiquinone oxidoreductase core subunit V1; plus strand), NDUFV1-DT (NDUFV1 divergent transcript; minus strand). Cytogenetic location: 11q13.2.
Variant type: Deletion.
Identifiers: ClinVar variation 3244773 (VCV003244773.1).

ClinVar aggregate classification (germline): Pathogenic (1 of 4 stars; one submission).

Submission:

Labcorp Genetics (formerly Invitae), Labcorp
Classification: Pathogenic. Last evaluated: 2023-02-16. Review status: criteria provided, single submitter. Criteria: Invitae Variant Classification Sherloc (09022015). Collection method: clinical testing. Allele origin: unknown.
Comment: For these reasons, this variant has been classified as Pathogenic. This variant results in the deletion of part of exon 1, including the initiator codon (c.-8457_48del) of the NDUFV1 gene. It is expected to result in an absent or disrupted protein product. Loss-of-function variants in NDUFV1 are known to be pathogenic (PMID: 10080174, 11349233). This variant has not been reported in the literature in individuals affected with NDUFV1-related conditions.

Literature cited by the submitters: PubMed 10080174; PubMed 11349233.